The following is an entry in ClinVar:

ClinVar aggregate classification (germline): Uncertain significance. Review status: criteria provided, multiple submitters, no conflicts (2 of 4 stars). 2 submissions from 2 submitters: Uncertain significance (2). Last evaluated 2025-10-14.

Conditions:
Inborn genetic diseases. Identifiers: MedGen C0950123, MeSH D030342.
Cataract 6 multiple types. Also called: CATARACT 6, POSTERIOR POLAR; CATARACT 6, CONGENITAL TOTAL; CATARACT, AGE-RELATED CORTICAL, 2. Identifiers: Orphanet 91492, MedGen C1861825, MONDO:0007288, OMIM 116600.

Allele frequency attached by ClinVar (database versions not stated): gnomAD 0.00003; gnomAD exomes 0.00003; TOPMed 0.00004; ExAC 0.00007; ESP Exome Variant Server 0.00008.

Submissions (2):

Labcorp Genetics (formerly Invitae), Labcorp
Classification: Uncertain significance for Cataract 6 multiple types. Last evaluated: 2025-10-14. Review status: criteria provided, single submitter. Criteria: Invitae Variant Classification Sherloc (09022015). Collection method: clinical testing. Allele origin: germline.
Comment: This sequence change replaces glycine, which is neutral and non-polar, with serine, which is neutral and polar, at codon 217 of the EPHA2 protein (p.Gly217Ser). This variant is present in population databases (rs200422898, gnomAD 0.02%). This variant has not been reported in the literature in individuals affected with EPHA2-related conditions. ClinVar contains an entry for this variant (Variation ID: 2360800). Invitae Evidence Modeling of protein sequence and biophysical properties (such as structural, functional, and spatial information, amino acid conservation, physicochemical variation, residue mobility, and thermodynamic stability) indicates that this missense variant is not expected to disrupt EPHA2 protein function with a negative predictive value of 80%. In summary, the available evidence is currently insufficient to determine the role of this variant in disease. Therefore, it has been classified as a Variant of Uncertain Significance.

Ambry Genetics
Classification: Uncertain significance for Inborn genetic diseases. Last evaluated: 2022-05-25. Review status: criteria provided, single submitter. Criteria: Ambry Variant Classification Scheme 2023. Collection method: clinical testing. Allele origin: germline.

NM_004431.5(EPHA2):c.649G>A (p.Gly217Ser)

Gene: EPHA2 (EPH receptor A2; minus strand). Cytogenetic location: 1p36.13.
Variant type: single nucleotide variant.
Coding change: c.649G>A on transcript NM_004431.5 (MANE Select); coding-DNA position 649, G replaced by A.
Protein change: p.Gly217Ser; replaces glycine 217 with serine.
Molecular consequence: missense variant.
Genome position (GRCh38, 1-based): chr1:16,148,552, C>T on the plus strand (G>A on the coding strand, the complement: EPHA2 is on the minus strand). VCF-style: chr1-16148552-C-T. GRCh37 (hg19) VCF-style: chr1-16475047-C-T.
Other names: c.487G>A, p.Gly163Ser (NM_001329090.2); short protein forms G217S, G163S.
Identifiers: ClinVar variation 2360800 (VCV002360800.3), dbSNP rs200422898, ClinGen allele CA625465.
Genomic context (GRCh38, chr1:16,148,552, plus strand): 5'-GCACCACGGCATGGTCCACACAGGTGCCGGCCACAGTGGCCAGGGAAGGTGCATCAGAGC[C>T]GGCGATGGTCTCAGGGAAGTGGGCCAGGCCCTGCAGCAGCTCGGGGCACTTCTTGTAGTA-3'
Protein context (NP_004422.2, residues 207-227): GLAHFPETIA[Gly217Ser]SDAPSLATVA